The following is an entry in ClinVar:

ClinVar aggregate classification (germline): Uncertain significance (1 of 4 stars; one submission).

Conditions:
MEGF10-related myopathy (CMYO10A). Also called: Congenital myopathy 10A, severe variant. Identifiers: Orphanet 439212, MedGen C3280679, MONDO:0013731, OMIM 614399.

Allele frequency attached by ClinVar (database versions not stated): TOPMed below 0.00001; gnomAD 0.00001.

Submission:

Labcorp Genetics (formerly Invitae), Labcorp
Classification: Uncertain significance for MEGF10-related myopathy. Last evaluated: 2022-07-19. Review status: criteria provided, single submitter. Criteria: Invitae Variant Classification Sherloc (09022015). Collection method: clinical testing. Allele origin: germline.
Comment: In summary, the available evidence is currently insufficient to determine the role of this variant in disease. Therefore, it has been classified as a Variant of Uncertain Significance. Algorithms developed to predict the effect of missense changes on protein structure and function output the following: SIFT: "Tolerated"; PolyPhen-2: "Benign"; Align-GVGD: "Class C0". The isoleucine amino acid residue is found in multiple mammalian species, which suggests that this missense change does not adversely affect protein function. ClinVar contains an entry for this variant (Variation ID: 1063154). This variant has not been reported in the literature in individuals affected with MEGF10-related conditions. This variant is not present in population databases (gnomAD no frequency). This sequence change replaces valine, which is neutral and non-polar, with isoleucine, which is neutral and non-polar, at codon 833 of the MEGF10 protein (p.Val833Ile).

NM_001256545.2(MEGF10):c.2497G>A (p.Val833Ile)

Gene: MEGF10 (multiple EGF like domains 10; plus strand). Cytogenetic location: 5q23.2.
Variant type: single nucleotide variant.
Coding change: c.2497G>A on transcript NM_001256545.2 (MANE Select); coding-DNA position 2497, G replaced by A.
Protein change: p.Val833Ile; replaces valine 833 with isoleucine.
Molecular consequence: missense variant.
Genome position (GRCh38, 1-based): chr5:127,445,462, G>A. VCF-style: chr5-127445462-G-A. GRCh37 (hg19) VCF-style: chr5-126781154-G-A.
Other names: c.2497G>A, p.Val833Ile (NM_032446.3); short protein forms V833I.
Identifiers: ClinVar variation 1063154 (VCV001063154.9), dbSNP rs1765908207, ClinGen allele CA360734530.